The following is an entry in ClinVar:

NM_001195518.2(MICU1):c.538-5_538-4delinsGG

Gene: MICU1 (mitochondrial calcium uptake 1; minus strand). Cytogenetic location: 10q22.1.
Variant type: Indel.
Coding change: c.538-5_538-4delinsGG on transcript NM_001195518.2 (MANE Select); 5 bases into the intron before coding-DNA position 538 through 4 bases into the intron before coding-DNA position 538, TA replaced by GG.
Molecular consequence: intron variant.
Genome position (GRCh38, 1-based): chr10:72,508,273-72,508,274, TA replaced by CC on the plus strand (TA replaced by GG on the coding strand, the reverse complement: MICU1 is on the minus strand). VCF-style: chr10-72508273-TA-CC. GRCh37 (hg19) VCF-style: chr10-74268031-TA-CC.
Other names: c.544-5_544-4delinsGG (NM_006077.4); c.556-5_556-4delinsGG (NM_001363513.2); c.58+15528_58+15529delinsGG (NM_001195519.2).
Identifiers: ClinVar variation 3659004 (VCV003659004.2).

ClinVar aggregate classification (germline): Uncertain significance (1 of 4 stars; one submission).

Submission:

Labcorp Genetics (formerly Invitae), Labcorp
Classification: Uncertain significance. Last evaluated: 2024-07-10. Review status: criteria provided, single submitter. Criteria: Invitae Variant Classification Sherloc (09022015). Collection method: clinical testing. Allele origin: germline.
Comment: This sequence change falls in intron 6 of the MICU1 gene. It does not directly change the encoded amino acid sequence of the MICU1 protein. Information on the frequency of this variant in the gnomAD database is not available, as this variant may be reported differently in the database. This variant has not been reported in the literature in individuals affected with MICU1-related conditions. Experimental studies and prediction algorithms are not available or were not evaluated, and the effect of this variant on mRNA splicing is currently unknown. In summary, the available evidence is currently insufficient to determine the role of this variant in disease. Therefore, it has been classified as a Variant of Uncertain Significance.